The following is an entry in ClinVar:

ClinVar aggregate classification (germline): Uncertain significance (1 of 4 stars; one submission).

Allele frequency attached by ClinVar (database versions not stated): gnomAD exomes below 0.00001; gnomAD 0.00001.
gnomAD v4.1: 4 of 1,612,794 alleles (0.00025%); highest among the groups gnomAD compares: Non-Finnish European, 0.00034%; no homozygotes.

Submission:

Mayo Clinic Laboratories, Mayo Clinic
Classification: Uncertain significance. Last evaluated: 2023-01-12. Review status: criteria provided, single submitter. Criteria: ACMG Guidelines, 2015. Collection method: clinical testing. Allele origin: germline. Observed: 1 variant allele.
Comment: PP2

NM_000435.3(NOTCH3):c.5723C>T (p.Thr1908Met)

Gene: NOTCH3 (notch receptor 3; minus strand). Cytogenetic location: 19p13.12.
Variant type: single nucleotide variant.
Coding change: c.5723C>T on transcript NM_000435.3 (MANE Select); coding-DNA position 5723, C replaced by T.
Protein change: p.Thr1908Met; replaces threonine 1908 with methionine.
Molecular consequence: missense variant.
Genome position (GRCh38, 1-based): chr19:15,165,460, G>A on the plus strand (C>T on the coding strand, the complement: NOTCH3 is on the minus strand). VCF-style: chr19-15165460-G-A. GRCh37 (hg19) VCF-style: chr19-15276271-G-A.
Other names: p.Thr1908Met; short protein forms T1908M.
Identifiers: ClinVar variation 2683482 (VCV002683482.1), dbSNP rs757787552, ClinGen allele CA305761164.